The following is an entry in ClinVar:

NM_017654.4(SAMD9):c.2277del (p.Arg759fs)

Gene: SAMD9 (sterile alpha motif domain containing 9; minus strand). Cytogenetic location: 7q21.2.
Variant type: Deletion.
Coding change: c.2277del on transcript NM_017654.4 (MANE Select); coding-DNA position 2277, one base deleted (A; older notation c.2277delA).
Protein change: p.Arg759fs; shifts the reading frame from arginine 759.
Molecular consequence: frameshift variant.
Genome position (GRCh38, 1-based): chr7:93,103,821, T deleted on the plus strand (A on the coding strand, the reverse complement: SAMD9 is on the minus strand). VCF-style (leftmost placement, unchanged base first): chr7-93103820-AT-A. GRCh37 (hg19) VCF-style: chr7-92733133-AT-A.
Other names: c.2277del, p.Arg759fs (NM_001193307.2); short protein forms R759fs.
Identifiers: ClinVar variation 2707994 (VCV002707994.3), dbSNP rs2535358632, ClinGen allele CA2697557408.

ClinVar aggregate classification (germline): Uncertain significance (1 of 4 stars; one submission).

Submission:

Labcorp Genetics (formerly Invitae), Labcorp
Classification: Uncertain significance. Last evaluated: 2024-01-06. Review status: criteria provided, single submitter. Criteria: Invitae Variant Classification Sherloc (09022015). Collection method: clinical testing. Allele origin: germline.
Comment: This sequence change creates a premature translational stop signal (p.Arg759Serfs*5) in the SAMD9 gene. While this is not anticipated to result in nonsense mediated decay, it is expected to disrupt the last 831 amino acid(s) of the SAMD9 protein. This variant is not present in population databases (gnomAD no frequency). This variant has not been reported in the literature in individuals affected with SAMD9-related conditions. In summary, the available evidence is currently insufficient to determine the role of this variant in disease. Therefore, it has been classified as a Variant of Uncertain Significance.